The following is an entry in ClinVar:

ClinVar aggregate classification (germline): Uncertain significance (1 of 4 stars; one submission).

Conditions:
Charcot-Marie-Tooth disease axonal type 2O. Also called: CHARCOT-MARIE-TOOTH NEUROPATHY, AXONAL, TYPE 2O; CHARCOT-MARIE-TOOTH DISEASE, AXONAL, AUTOSOMAL DOMINANT, TYPE 2O; Charcot-Marie-Tooth Neuropathy Type 2O; Charcot-Marie-Tooth disease, axonal, type 20. Identifiers: Orphanet 284232, MedGen C3280220, MONDO:0013644, OMIM 614228.

Submission:

Labcorp Genetics (formerly Invitae), Labcorp
Classification: Uncertain significance for Charcot-Marie-Tooth disease axonal type 2O. Last evaluated: 2022-10-30. Review status: criteria provided, single submitter. Criteria: Invitae Variant Classification Sherloc (09022015). Collection method: clinical testing. Allele origin: germline.
Comment: In summary, the available evidence is currently insufficient to determine the role of this variant in disease. Therefore, it has been classified as a Variant of Uncertain Significance. Advanced modeling of protein sequence and biophysical properties (such as structural, functional, and spatial information, amino acid conservation, physicochemical variation, residue mobility, and thermodynamic stability) has been performed at Invitae for this missense variant, however the output from this modeling did not meet the statistical confidence thresholds required to predict the impact of this variant on DYNC1H1 protein function. This variant has not been reported in the literature in individuals affected with DYNC1H1-related conditions. This variant is not present in population databases (gnomAD no frequency). This sequence change replaces glutamic acid, which is acidic and polar, with glycine, which is neutral and non-polar, at codon 1015 of the DYNC1H1 protein (p.Glu1015Gly).

NM_001376.5(DYNC1H1):c.3044A>G (p.Glu1015Gly)

Gene: DYNC1H1 (dynein cytoplasmic 1 heavy chain 1; plus strand). Cytogenetic location: 14q32.31.
Variant type: single nucleotide variant.
Coding change: c.3044A>G on transcript NM_001376.5 (MANE Select); coding-DNA position 3044, A replaced by G.
Protein change: p.Glu1015Gly; replaces glutamic acid 1015 with glycine.
Molecular consequence: missense variant.
Genome position (GRCh38, 1-based): chr14:101,994,212, A>G. VCF-style: chr14-101994212-A-G. GRCh37 (hg19) VCF-style: chr14-102460549-A-G.
Other names: short protein forms E1015G.
Identifiers: ClinVar variation 2810748 (VCV002810748.3), dbSNP rs2503713221, ClinGen allele CA391031987.